The following is an entry in ClinVar:

NM_000489.6(ATRX):c.3236A>T (p.Asp1079Val)

Gene: ATRX (ATRX chromatin remodeler; minus strand). Cytogenetic location: Xq21.1.
Variant type: single nucleotide variant.
Coding change: c.3236A>T on transcript NM_000489.6 (MANE Select); coding-DNA position 3236, A replaced by T.
Protein change: p.Asp1079Val; replaces aspartic acid 1079 with valine.
Molecular consequence: missense variant.
Genome position (GRCh38, 1-based): chrX:77,682,020, T>A on the plus strand (A>T on the coding strand, the complement: ATRX is on the minus strand). VCF-style: chrX-77682020-T-A. GRCh37 (hg19) VCF-style: chrX-76937512-T-A.
Other names: c.3122A>T, p.Asp1041Val (NM_138270.5); short protein forms D1041V, D1079V.
Identifiers: ClinVar variation 2800126 (VCV002800126.3), dbSNP rs2519904487, ClinGen allele CA413707204.
Genomic context (GRCh38, chrX:77,682,020, plus strand): 5'-TTTCCAAGCAACTTGCACCTTTTCTTCTCTCTACCATATGCTCCATTCTTACTCTTTTTA[T>A]CCTCTGAAGAGTCACAACTATCTCCTTTCCCTGTTGACTTCTCAGCATAATCAGATAATT-3'
Protein context (NP_000480.3, residues 1069-1089): GKGDSCDSSE[Asp1079Val]KKSKNGAYGR

ClinVar aggregate classification (germline): Uncertain significance (1 of 4 stars; one submission).

Conditions:
Alpha thalassemia-X-linked intellectual disability syndrome (ATRX). Also called: ALPHA-THALASSEMIA/MENTAL RETARDATION SYNDROME, X-LINKED; ATR, NONDELETION TYPE; ATR-X syndrome; Alpha thalassemia mental retardation syndrome, nondeletion type, X-linked; XLMR hypotonic face syndrome; X-linked alpha-thalassemia-mental retardation syndrome. Identifiers: Orphanet 847, MedGen C1845055, MONDO:0010519, OMIM 301040.

Submission:

Labcorp Genetics (formerly Invitae), Labcorp
Classification: Uncertain significance for Alpha thalassemia-X-linked intellectual disability syndrome. Last evaluated: 2023-10-08. Review status: criteria provided, single submitter. Criteria: Invitae Variant Classification Sherloc (09022015). Collection method: clinical testing. Allele origin: germline.
Comment: This sequence change replaces aspartic acid, which is acidic and polar, with valine, which is neutral and non-polar, at codon 1079 of the ATRX protein (p.Asp1079Val). This variant is not present in population databases (gnomAD no frequency). This variant has not been reported in the literature in individuals affected with ATRX-related conditions. Advanced modeling of protein sequence and biophysical properties (such as structural, functional, and spatial information, amino acid conservation, physicochemical variation, residue mobility, and thermodynamic stability) performed at Invitae indicates that this missense variant is not expected to disrupt ATRX protein function. In summary, the available evidence is currently insufficient to determine the role of this variant in disease. Therefore, it has been classified as a Variant of Uncertain Significance.